The following is an entry in ClinVar:

ClinVar aggregate classification (germline): Conflicting classifications of pathogenicity. Review status: criteria provided, conflicting classifications (1 of 4 stars). 2 submissions from 2 submitters: Pathogenic (1); Uncertain significance (1). Last evaluated 2024-04-26.

Conditions:
Intellectual developmental disorder, autosomal dominant 73 (MRD73). Also called: TAF4-RELATED NDD; TAF4-RELATED NEURODEVELOPMENTAL DISORDER. Identifiers: MedGen C5830636, MONDO:0957536, OMIM 620450.
Inborn genetic diseases. Identifiers: MedGen C0950123, MeSH D030342.

Submissions (2):

Ambry Genetics
Classification: Uncertain significance for Inborn genetic diseases. Last evaluated: 2024-04-26. Review status: criteria provided, single submitter. Criteria: Ambry Variant Classification Scheme 2023. Collection method: clinical testing. Allele origin: germline.
Comment: The c.296delG (p.G99Afs*28) alteration, located in exon 1 (coding exon 1) of the TAF4 gene, consists of a deletion of one nucleotide at position 296, causing a translational frameshift with a predicted alternate stop codon after 28 amino acids. The predicted stop codon occurs in the 5' end of the TAF4 gene. Premature termination codons in the 5&rsquo; end of a gene have been reported to escape nonsense-mediated mRNA decay and/or lead to re-initiation (Rivas, 2015; Lindeboom, 2016; Rhee, 2017). The exact functional effect of this alteration is unknown. This variant was not reported in population-based cohorts in the Genome Aggregation Database (gnomAD). Based on insufficient or conflicting evidence, the clinical significance of this alteration remains unclear.

3billion
Classification: Pathogenic for Intellectual developmental disorder, autosomal dominant 73. Last evaluated: 2023-07-31. Review status: criteria provided, single submitter. Criteria: ACMG Guidelines, 2015. Collection method: clinical testing. Allele origin: germline. Affected: yes.
Comment: The variant is not observed in the gnomAD v2.1.1 dataset. Predicted Consequence/Location: Frameshift: predicted to result in a loss or disruption of normal protein function through nonsense-mediated decay (NMD) or protein truncation. Multiple pathogenic variants are reported downstream of the variant (PMID: 35904126). Therefore, this variant is classified as Likely Pathogenic according to the recommendation of ACMG/AMP guideline.

Literature cited by the submitters: PubMed 25954003 (cited by Ambry Genetics); PubMed 27618451 (cited by Ambry Genetics); PubMed 28490743 (cited by Ambry Genetics).

NM_003185.4(TAF4):c.296del (p.Gly99fs)

Gene: TAF4 (TATA-box binding protein associated factor 4; minus strand). Cytogenetic location: 20q13.33.
Variant type: Deletion.
Coding change: c.296del on transcript NM_003185.4 (MANE Select); coding-DNA position 296, one base deleted (G; older notation c.296delG).
Protein change: p.Gly99fs; shifts the reading frame from glycine 99.
Molecular consequence: frameshift variant.
Genome position (GRCh38, 1-based): chr20:62,065,515, C deleted on the plus strand (G on the coding strand, the reverse complement: TAF4 is on the minus strand); the first of 6 consecutive C bases (chr20:62,065,515-62,065,520); deleting any one gives the same sequence. VCF-style (leftmost placement, unchanged base first): chr20-62065514-GC-G. GRCh37 (hg19) VCF-style: chr20-60640570-GC-G.
Other names: c.296delG (NM_003185.3); short protein forms G99fs.
Identifiers: ClinVar variation 1526080 (VCV001526080.4), dbSNP rs1180230428, ClinGen allele CA746341240.